The following is an entry in ClinVar:

ClinVar aggregate classification (germline): Pathogenic/Likely pathogenic. Review status: criteria provided, multiple submitters, no conflicts (2 of 4 stars). 4 submissions from 4 submitters: Pathogenic (3); Likely pathogenic (1). Last evaluated 2023-07-21.

Conditions:
Immunodeficiency, common variable, 7. Identifiers: Orphanet 1572, Orphanet 696894, MedGen C3542922, MONDO:0013862, OMIM 614699.
CR2-related disorder. Also called: CR2-related condition; CR2-related disorders.

Submissions (4):

Women's Health and Genetics/Laboratory Corporation of America, LabCorp
Classification: Pathogenic for Immunodeficiency, common variable, 7. Last evaluated: 2023-07-21. Review status: criteria provided, single submitter. Criteria: LabCorp Variant Classification Summary - May 2015. Collection method: clinical testing. Allele origin: germline.
Comment: Variant summary: CR2 c.593dupT (p.Leu198PhefsX14) results in a premature termination codon, predicted to cause a truncation of the encoded protein or absence of the protein due to nonsense mediated decay, which are commonly known mechanisms for disease. The variant was absent in 251396 control chromosomes (gnomAD). To our knowledge, no occurrence of c.593dupT in individuals affected with Immunodeficiency, Common Variable, 7 and no experimental evidence demonstrating its impact on protein function have been reported. One submitter has reported clinical-significance assessments for this variant to ClinVar after 2014 and has classified the variant as pathogenic. Based on the evidence outlined above, the variant was classified as pathogenic.

Labcorp Genetics (formerly Invitae), Labcorp
Classification: Pathogenic for Immunodeficiency, common variable, 7. Last evaluated: 2023-04-16. Review status: criteria provided, single submitter. Criteria: Invitae Variant Classification Sherloc (09022015). Collection method: clinical testing. Allele origin: germline.
Comment: This variant is present in population databases (rs763336891, gnomAD 0.0009%). This sequence change creates a premature translational stop signal (p.Leu198Phefs*14) in the CR2 gene. It is expected to result in an absent or disrupted protein product. Loss-of-function variants in CR2 are known to be pathogenic (PMID: 26325596, 28499783). This variant has not been reported in the literature in individuals affected with CR2-related conditions. ClinVar contains an entry for this variant (Variation ID: 954979). For these reasons, this variant has been classified as Pathogenic.

Genome-Nilou Lab
Classification: Pathogenic for Immunodeficiency, common variable, 7. Last evaluated: 2023-04-11. Review status: criteria provided, single submitter. Criteria: ACMG Guidelines, 2015. Collection method: clinical testing. Allele origin: germline. Affected: no.

Blueprint Genetics
Classification: Likely pathogenic for CR2-related disorders. Last evaluated: 2019-07-31. Review status: criteria provided, single submitter. Criteria: ACMG Guidelines, 2015. Collection method: clinical testing. Allele origin: germline. Affected: yes. Observed: 1 variant allele.

Literature cited by the submitters: PubMed 26325596 (cited by Labcorp Genetics (formerly Invitae), Labcorp); PubMed 28499783 (cited by Labcorp Genetics (formerly Invitae), Labcorp).

NM_001006658.3(CR2):c.593dup (p.Leu198fs)

Gene: CR2 (complement C3d receptor 2; plus strand). Cytogenetic location: 1q32.2.
Variant type: Duplication.
Coding change: c.593dup on transcript NM_001006658.3 (MANE Select); coding-DNA position 593, one base duplicated (T; older notation c.593dupT).
Protein change: p.Leu198fs; shifts the reading frame from leucine 198.
Molecular consequence: frameshift variant.
Genome position (GRCh38, 1-based): chr1:207,468,674, T duplicated; the last of 3 consecutive T bases (chr1:207,468,672-207,468,674); duplicating any one gives the same sequence. VCF-style (leftmost placement, unchanged base first): chr1-207468671-G-GT. GRCh37 (hg19) VCF-style: chr1-207642016-G-GT.
Other names: c.593dupT (NM_001006658.2); c.593dup, p.Leu198fs (NM_001877.5); short protein forms L198fs.
Identifiers: ClinVar variation 954979 (VCV000954979.10), dbSNP rs763336891, ClinGen allele CA1368464.